The following is an entry in ClinVar:

NM_001374828.1(ARID1B):c.4638C>G (p.Tyr1546Ter)

Gene: ARID1B (AT-rich interaction domain 1B; plus strand). Cytogenetic location: 6q25.3.
Variant type: single nucleotide variant.
Coding change: c.4638C>G on transcript NM_001374828.1 (MANE Select); coding-DNA position 4638, C replaced by G.
Protein change: p.Tyr1546Ter; replaces tyrosine 1546 with a stop codon.
Molecular consequence: nonsense.
Genome position (GRCh38, 1-based): chr6:157,200,863, C>G. VCF-style: chr6-157200863-C-G. GRCh37 (hg19) VCF-style: chr6-157521997-C-G.
Other names: c.4518C>G, p.Tyr1506Ter (NM_001371656.1, NM_001374820.1); c.4479C>G, p.Tyr1493Ter (NM_017519.3); c.4269C>G, p.Tyr1423Ter (NM_020732.3); c.4056C>G, p.Tyr1352Ter (NM_175863.2); c.4389C>G, p.Tyr1463Ter (NM_001346813.1); c.2139C>G, p.Tyr713Ter (NM_001363725.2); short protein forms Y1352*, Y1423*, Y1463*, Y1493*, Y1506*, Y1546*, Y713*.
Identifiers: ClinVar variation 2572493 (VCV002572493.3), dbSNP rs2128373069, ClinGen allele CA366241101.

ClinVar aggregate classification (germline): Pathogenic/Likely pathogenic. Review status: criteria provided, multiple submitters, no conflicts (2 of 4 stars). 2 submissions from 2 submitters: Pathogenic (1); Likely pathogenic (1). Last evaluated 2024-12-26.

Conditions:
Coffin-Siris syndrome 1 (CSS1). Also called: Mental retardation, autosomal dominant 12; ARID1B-Related Coffin-Siris Syndrome. Identifiers: Orphanet 1465, MedGen C3281201, MONDO:0007617, OMIM 135900. Disease mechanism: gain of function.

Submissions (2):

Labcorp Genetics (formerly Invitae), Labcorp
Classification: Pathogenic. Last evaluated: 2024-12-26. Review status: criteria provided, single submitter. Criteria: Invitae Variant Classification Sherloc (09022015). Collection method: clinical testing. Allele origin: germline.
Comment: This sequence change creates a premature translational stop signal (p.Tyr1423*) in the ARID1B gene. It is expected to result in an absent or disrupted protein product. Loss-of-function variants in ARID1B are known to be pathogenic (PMID: 25674384, 30349098). This variant is not present in population databases (gnomAD no frequency). This variant has not been reported in the literature in individuals affected with ARID1B-related conditions. ClinVar contains an entry for this variant (Variation ID: 2572493). For these reasons, this variant has been classified as Pathogenic.

3billion
Classification: Likely pathogenic for Coffin-Siris syndrome 1. Review status: criteria provided, single submitter. Criteria: ACMG Guidelines, 2015. Collection method: clinical testing. Allele origin: unknown. Affected: yes. Observed: 1 heterozygote.
Comment: The variant is not observed in the gnomAD v2.1.1 dataset. The variant is predicted to result in a loss or disruption of normal protein function through nonsense-mediated decay (NMD) or protein truncation. Multiple pathogenic variants are reported downstream of the variant. Therefore, this variant is classified as Likely pathogenic according to the recommendation of ACMG/AMP guideline.

Literature cited by the submitters: PubMed 25674384 (cited by Labcorp Genetics (formerly Invitae), Labcorp); PubMed 30349098 (cited by Labcorp Genetics (formerly Invitae), Labcorp).